The following is an entry in ClinVar:

NM_000051.4(ATM):c.4110-9C>T

Gene: ATM (ATM serine/threonine kinase; plus strand). Cytogenetic location: 11q22.3.
Variant type: single nucleotide variant.
Coding change: c.4110-9C>T on transcript NM_000051.4 (MANE Select); 9 bases into the intron before coding-DNA position 4110, C replaced by T.
Molecular consequence: intron variant.
Genome position (GRCh38, 1-based): chr11:108,288,968, C>T. VCF-style: chr11-108288968-C-T. GRCh37 (hg19) VCF-style: chr11-108159695-C-T.
Other names: c.4110-9C>T (NM_001351834.2).
Identifiers: ClinVar variation 524462 (VCV000524462.12), dbSNP rs730881367, ClinGen allele CA658795361.
Genomic context (GRCh38, chr11:108,288,968, plus strand): 5'-GGAAGTTCACTGGTCTATGAACAAAACTTTTTAAAACGATGACTGTATTTTTTCCCTTAA[C>T]TCTGTTAGGGATTTGGATCCTGCTCCTAATCCACCTCATTTTCCATCGCATGTGATTAAA-3'

ClinVar aggregate classification (germline): Likely benign. Review status: criteria provided, multiple submitters, no conflicts (2 of 4 stars). 3 submissions from 3 submitters: Likely benign (3). Last evaluated 2025-06-30.

Conditions:
Familial cancer of breast. Also called: hereditary breast carcinoma; BREAST CANCER, FAMILIAL; Hereditary breast cancer. Identifiers: Orphanet 227535, MedGen C0346153, MONDO:0016419, OMIM 114480. Disease mechanism: loss of function.
Hereditary cancer-predisposing syndrome. Also called: Neoplastic Syndromes, Hereditary; Tumor predisposition; Hereditary Cancer Syndrome; Hereditary neoplastic syndrome. Identifiers: Orphanet 140162, MedGen C0027672, MeSH D009386, MONDO:0015356.
Ataxia-telangiectasia syndrome (AT). Also called: ATAXIA-TELANGIECTASIA, COMPLEMENTATION GROUP A; ATAXIA-TELANGIECTASIA, FRESNO VARIANT; Ataxia-telangiectasia; Ataxia-telangiectasia, complementation group D; AT, COMPLEMENTATION GROUP C; Ataxia-telangiectasia, complementation group E. Identifiers: Orphanet 100, MedGen C0004135, MONDO:0008840, OMIM 208900.

Submissions (3):

Labcorp Genetics (formerly Invitae), Labcorp
Classification: Likely benign for Ataxia-telangiectasia syndrome. Last evaluated: 2025-06-30. Review status: criteria provided, single submitter. Criteria: Invitae Variant Classification Sherloc (09022015). Collection method: clinical testing. Allele origin: germline.

Myriad Genetics, Inc.
Classification: Likely benign for Familial cancer of breast. Last evaluated: 2024-05-16. Review status: criteria provided, single submitter. Criteria: Myriad Autosomal Dominant, Autosomal Recessive and X-Linked Classification Criteria (2023). Collection method: clinical testing. Allele origin: unknown.
Comment: This variant is considered likely benign. This variant is intronic and is not expected to impact mRNA splicing.

Color Diagnostics, LLC DBA Color Health
Classification: Likely benign for Hereditary cancer-predisposing syndrome. Last evaluated: 2022-04-27. Review status: criteria provided, single submitter. Criteria: ACMG Guidelines, 2015. Collection method: clinical testing. Allele origin: germline.